The following is an entry in ClinVar:

ClinVar aggregate classification (germline): Pathogenic (1 of 4 stars; one submission).

Conditions:
Immunodeficiency 23 (IMD23). Also called: IMMUNODEFICIENCY WITH HYPER IgE AND COGNITIVE IMPAIRMENT; IMMUNODEFICIENCY-VASCULITIS-MYOCLONUS SYNDROME. Identifiers: Orphanet 443811, MedGen C4014371, MONDO:0014353, OMIM 615816.

Submission:

Labcorp Genetics (formerly Invitae), Labcorp
Classification: Pathogenic for Immunodeficiency 23. Last evaluated: 2022-02-24. Review status: criteria provided, single submitter. Criteria: Invitae Variant Classification Sherloc (09022015). Collection method: clinical testing. Allele origin: germline.
Comment: A gross deletion of the genomic region encompassing the full coding sequence of the PGM3 gene has been identified. Loss-of-function variants in PGM3 are known to be pathogenic (PMID: 17548465, 24589341, 24931394). The boundaries of this event are unknown as they extend beyond the assayed region for this gene and therefore may encompass additional genes. This variant has not been reported in the literature in individuals affected with PGM3-related conditions. For these reasons, this variant has been classified as Pathogenic.

Literature cited by the submitters: PubMed 17548465; PubMed 24589341; PubMed 24931394.

NC_000006.11:g.(?_83878953)_(83900987_?)del

Gene: PGM3 (phosphoglucomutase 3; minus strand). Cytogenetic location: 6q14.1-14.2.
Variant type: Deletion.
Identifiers: ClinVar variation 1419730 (VCV001419730.4).